The following is an entry in ClinVar:

NM_001042492.3(NF1):c.5741C>A (p.Thr1914Lys)

Gene: NF1 (neurofibromin 1; plus strand). Cytogenetic location: 17q11.2.
Variant type: single nucleotide variant.
Coding change: c.5741C>A on transcript NM_001042492.3 (MANE Select); coding-DNA position 5741, C replaced by A.
Protein change: p.Thr1914Lys; replaces threonine 1914 with lysine.
Molecular consequence: missense variant.
Genome position (GRCh38, 1-based): chr17:31,330,427, C>A. VCF-style: chr17-31330427-C-A. GRCh37 (hg19) VCF-style: chr17-29657445-C-A.
Other names: c.5678C>A, p.Thr1893Lys (NM_000267.4); short protein forms T1893K, T1914K.
Identifiers: ClinVar variation 481899 (VCV000481899.15), dbSNP rs1555533873, ClinGen allele CA399010377.

ClinVar aggregate classification (germline): Conflicting classifications of pathogenicity. Review status: criteria provided, conflicting classifications (1 of 4 stars). 6 submissions from 5 submitters: Uncertain significance (5); Benign (1). Last evaluated 2025-11-25.

Conditions:
Cardiovascular phenotype. Identifiers: MedGen CN230736.
Hereditary cancer-predisposing syndrome. Also called: Hereditary neoplastic syndrome; Neoplastic Syndromes, Hereditary; Tumor predisposition; Hereditary Cancer Syndrome. Identifiers: Orphanet 140162, MedGen C0027672, MeSH D009386, MONDO:0015356.
Juvenile myelomonocytic leukemia (JMML). Also called: LEUKEMIA, JUVENILE MYELOMONOCYTIC, SOMATIC. Identifiers: Orphanet 86834, MedGen C0349639, MONDO:0011908, OMIM 607785, HP:0012209.
Neurofibromatosis-Noonan syndrome (NFNS). Also called: NEUROFIBROMATOSIS WITH NOONAN PHENOTYPE. Identifiers: Orphanet 638, MedGen C2931482, MONDO:0011035, OMIM 601321. Disease mechanism: loss of function.
Neurofibromatosis, familial spinal (FSNF). Identifiers: Orphanet 636, MedGen C1834235, MONDO:0008078, OMIM 162210. Disease mechanism: loss of function.
Neurofibromatosis, type 1 (NF1). Also called: VON RECKLINGHAUSEN DISEASE; Peripheral type neurofibromatosis; NEUROFIBROMATOSIS, TYPE I, SOMATIC; Neurofibromatosis, type I. Identifiers: Orphanet 636, MedGen C0027831, MONDO:0018975, OMIM 162200. Disease mechanism: loss of function.
Café-au-lait macules with pulmonary stenosis (WTSN). Also called: PULMONIC STENOSIS WITH CAFE-AU-LAIT SPOTS. Identifiers: MedGen C0553586, MONDO:0008672, OMIM 193520.

Allele frequency attached by ClinVar (database versions not stated): gnomAD exomes below 0.00001.
gnomAD v4.1: 3 of 1,613,884 alleles (0.00019%); highest among the groups gnomAD compares: Non-Finnish European, 0.00025%; no homozygotes.

Submissions (6):

Labcorp Genetics (formerly Invitae), Labcorp
Classification: Benign for Neurofibromatosis, type 1. Last evaluated: 2025-11-25. Review status: criteria provided, single submitter. Criteria: Invitae Variant Classification Sherloc (09022015). Collection method: clinical testing. Allele origin: germline.

GeneDx
Classification: Uncertain significance. Last evaluated: 2023-08-03. Review status: criteria provided, single submitter. Criteria: GeneDx Variant Classification Process June 2021. Collection method: clinical testing. Allele origin: germline. Affected: yes.
Comment: Not observed at significant frequency in large population cohorts (gnomAD); In silico analysis supports that this missense variant does not alter protein structure/function; Has not been previously published as pathogenic or benign to our knowledge

Genome-Nilou Lab
Classification: Uncertain significance for Neurofibromatosis, type 1. Last evaluated: 2022-03-15. Review status: criteria provided, single submitter. Criteria: ACMG Guidelines, 2015. Collection method: clinical testing. Allele origin: germline. Affected: no.

Fulgent Genetics
Classification: Uncertain significance for Neurofibromatosis, type 1; Neurofibromatosis, familial spinal; Café-au-lait macules with pulmonary stenosis; Neurofibromatosis-Noonan syndrome; Juvenile myelomonocytic leukemia. Last evaluated: 2022-02-17. Review status: criteria provided, single submitter. Criteria: ACMG Guidelines, 2015. Collection method: clinical testing. Allele origin: unknown.

Ambry Genetics
Classification: Uncertain significance for Cardiovascular phenotype; Hereditary cancer-predisposing syndrome. Last evaluated: 2021-11-08. Review status: criteria provided, single submitter. Criteria: Ambry Variant Classification Scheme 2023. Collection method: clinical testing. Allele origin: germline.

Ambry Genetics
Classification: Uncertain significance for Hereditary cancer-predisposing syndrome. Last evaluated: 2016-02-01. Review status: criteria provided, single submitter. Criteria: Ambry Autosomal Dominant and X-Linked criteria (10/2015). Collection method: clinical testing. Allele origin: germline. Observed: 1 variant allele.
Comment: The p.T1914K variant (also known as c.5741C>A), located in coding exon 39 of the NF1 gene, results from a C to A substitution at nucleotide position 5741. The threonine at codon 1914 is replaced by lysine, an amino acid with similar properties. This variant was not reported in population based cohorts in the following databases: Database of Single Nucleotide Polymorphisms (dbSNP), NHLBI Exome Sequencing Project (ESP), and 1000 Genomes Project. In the ESP, this variant was not observed in 6503 samples (13006 alleles) with coverage at this position.To date, this alteration has been detected with an allele frequency of approximately 0.001% (greater than 110000 alleles tested) in our clinical cohort. This amino acid position is highly conserved in available vertebrate species. In addition, this alteration is predicted to be deleterious by in silico analysis.Since supporting evidence is limited at this time, the clinical significance of this alterationremains unclear.